The following is an entry in ClinVar:

ClinVar aggregate classification (germline): Pathogenic. Review status: criteria provided, multiple submitters, no conflicts (2 of 4 stars). 4 submissions from 4 submitters: Pathogenic (4). Last evaluated 2026-10-01.

Conditions:
Hereditary cancer-predisposing syndrome. Also called: Hereditary Cancer Syndrome; Hereditary neoplastic syndrome; Tumor predisposition; Neoplastic Syndromes, Hereditary. Identifiers: Orphanet 140162, MedGen C0027672, MeSH D009386, MONDO:0015356.
Familial adenomatous polyposis 1 (FAP1). Also called: FAMILIAL ADENOMATOUS POLYPOSIS 1, ATTENUATED; POLYPOSIS, ADENOMATOUS INTESTINAL. Identifiers: MedGen C2713442, MONDO:0021056, OMIM 175100. Disease mechanism: loss of function.

Submissions (4):

St. Jude Molecular Pathology, St. Jude Children's Research Hospital
Classification: Pathogenic for Familial adenomatous polyposis 1. Last evaluated: 2026-10-01. Review status: criteria provided, single submitter. Criteria: St. Jude Assertion Criteria 2020. Collection method: clinical testing. Allele origin: germline.
Comment: The APC c.3505_3509del p.(Glu1169ThrfsTer8) change dele tes five nucleotides to cause a frameshift and the creation of a premature stop codon. This variant is not predicted to result in nonsense mediated decay, however the truncated region is critical to protein function. This variant has been reported in ind ividuals with familial adenomatous polyposis (PMID: 20223039, 21078199, 27158207). This variant is absent in gnomAD v2.1.1. In summary, this variant meets criteria to be classified as pathogenic.

Ambry Genetics
Classification: Pathogenic for Hereditary cancer-predisposing syndrome. Last evaluated: 2024-10-25. Review status: criteria provided, single submitter. Criteria: Ambry Variant Classification Scheme 2023. Collection method: clinical testing. Allele origin: germline.
Comment: The c.3505_3509delGAGAA pathogenic mutation, located in coding exon 15 of the APC gene, results from a deletion of 5 nucleotides at nucleotide positions 3505 to 3509, causing a translational frameshift with a predicted alternate stop codon (p.E1169Tfs*8). This alteration occurs at the 3' terminus of theAPC gene, is not expected to trigger nonsense-mediated mRNA decay, and impacts the last 58.9% of the protein. However, premature stop codons are typically deleterious in nature and a significant portion of the protein is affected and the impacted region is critical for protein function (Ambry internal data). This mutation has been identified in multiple individuals meeting clinical criteria for FAP (Jung SM et al. World J Gastroenterol, 2016 May;22:4380-8; Friedl W et al. Hered Cancer Clin Pract, 2005 Sep;3:95-114; Tao H et al. BMC Res Notes, 2010 Nov;3:305). This variant is considered to be rare based on population cohorts in the Genome Aggregation Database (gnomAD). Based on the supporting evidence, this variant is interpreted as a disease-causing mutation.

Myriad Genetics, Inc.
Classification: Pathogenic for Familial adenomatous polyposis 1. Last evaluated: 2023-05-08. Review status: criteria provided, single submitter. Criteria: Myriad Autosomal Dominant, Autosomal Recessive and X-Linked Classification Criteria (2023). Collection method: clinical testing. Allele origin: unknown.
Comment: This variant is considered pathogenic. This variant creates a frameshift predicted to result in premature protein truncation.

Labcorp Genetics (formerly Invitae), Labcorp
Classification: Pathogenic for Familial adenomatous polyposis 1. Last evaluated: 2021-05-25. Review status: criteria provided, single submitter. Criteria: Invitae Variant Classification Sherloc (09022015). Collection method: clinical testing. Allele origin: germline.
Comment: A different truncation (p.Tyr2645Lysfs*14) that lies downstream of this variant has been determined to be pathogenic (PMID: 9824584, 1316610, 27081525, 8381579, 22135120, Invitae). This suggests that deletion of this region of the APC protein is causative of disease. This sequence change creates a premature translational stop signal (p.Glu1169Thrfs*8) in the APC gene. While this is not anticipated to result in nonsense mediated decay, it is expected to disrupt the last 1675 amino acid(s) of the APC protein. This variant is not present in population databases (ExAC no frequency). This variant has been observed in individual(s) with familial adenomatous polyposis (PMID: 11247896). For these reasons, this variant has been classified as Pathogenic. This variant is expected to disrupt the EB1 and HDLG binding sites, which mediate interactions with the cytoskeleton (PMID: 15311282, 17293347). While functional studies have not been performed to directly test the effect on APC protein function, this suggests that disruption of the C-terminal portion of the protein is functionally important.

Literature cited by the submitters: PubMed 20223039 (cited by Ambry Genetics); PubMed 21078199 (cited by Ambry Genetics); PubMed 27158207 (cited by Ambry Genetics); PubMed 9824584 (cited by Labcorp Genetics (formerly Invitae), Labcorp); PubMed 1316610 (cited by Labcorp Genetics (formerly Invitae), Labcorp); PubMed 27081525 (cited by Labcorp Genetics (formerly Invitae), Labcorp); PubMed 8381579 (cited by Labcorp Genetics (formerly Invitae), Labcorp); PubMed 22135120 (cited by Labcorp Genetics (formerly Invitae), Labcorp); PubMed 11247896 (cited by Labcorp Genetics (formerly Invitae), Labcorp); PubMed 15311282 (cited by Labcorp Genetics (formerly Invitae), Labcorp); PubMed 17293347 (cited by Labcorp Genetics (formerly Invitae), Labcorp).

NM_000038.6(APC):c.3505_3509del (p.Glu1169fs)

Gene: APC (APC regulator of Wnt signaling pathway; plus strand). Cytogenetic location: 5q22.2.
Variant type: Deletion.
Coding change: c.3505_3509del on transcript NM_000038.6 (MANE Select); coding-DNA positions 3505 to 3509, 5 bases deleted (GAGAA; older notation c.3505_3509delGAGAA).
Protein change: p.Glu1169fs; shifts the reading frame from glutamic acid 1169.
Molecular consequence: frameshift variant.
Genome position (GRCh38, 1-based): chr5:112,839,099-112,839,103, GAGAA deleted; deleting any 5 consecutive bases within chr5:112,839,096-112,839,103 gives the same sequence; the c. name uses the placement nearest the transcript's 3' end. VCF-style (leftmost placement, unchanged base first): chr5-112839095-TGAAGA-T. GRCh37 (hg19) VCF-style: chr5-112174792-TGAAGA-T.
Other names: c.3505_3509del, p.Glu1169fs (NM_001127510.3, NM_001354895.2); c.3451_3455del, p.Glu1151fs (NM_001127511.3); c.3559_3563del, p.Glu1187fs (NM_001354896.2); c.3535_3539del, p.Glu1179fs (NM_001354897.2); c.3430_3434del, p.Glu1144fs (NM_001354898.2); c.3421_3425del, p.Glu1141fs (NM_001354899.2); c.3382_3386del, p.Glu1128fs (NM_001354900.2); c.3328_3332del, p.Glu1110fs (NM_001354901.2); and 5 more; short protein forms E1009fs, E1043fs, E1179fs, E1068fs, E1141fs, E1144fs, E1151fs, E1169fs.
Identifiers: ClinVar variation 1459097 (VCV001459097.13), dbSNP rs2149893274, ClinGen allele CA658760927.
Genomic context (GRCh38, chr5:112,839,095, plus strand): 5'-CTCTGAAGAAGAACAGCATGAAGAAGAAGAGAGACCAACAAATTATAGCATAAAATATAA[TGAAGA>T]GAAACGTCATGTGGATCAGCCTATTGATTATAGTTTAAAATATGCCACAGATATTCCTTC-3'